The following is an entry in ClinVar:

ClinVar aggregate classification (germline): Likely pathogenic (1 of 4 stars; one submission).

Conditions:
Autosomal recessive nonsyndromic hearing loss 18B. Also called: Deafness, autosomal recessive 18b. Identifiers: Orphanet 90636, MedGen C3554163, MONDO:0013985, OMIM 614945.

gnomAD v4.1: 2 of 1,535,916 alleles (0.00013%); highest among the groups gnomAD compares: Admixed American, 0.002%; no homozygotes.

Submission:

Laboratorio de Genetica e Diagnostico Molecular, Hospital Israelita Albert Einstein
Classification: Likely pathogenic for Autosomal recessive nonsyndromic hearing loss 18B. Last evaluated: 2024-04-12. Review status: criteria provided, single submitter. Criteria: ACMG Guidelines, 2015. Collection method: clinical testing. Allele origin: germline. Affected: yes.
Comment: ACMG classification criteria: PVS1 very strong, PM2 supporting

NM_001292063.2(OTOG):c.2745C>A (p.Cys915Ter)

Gene: OTOG (otogelin; plus strand). Cytogenetic location: 11p15.1.
Variant type: single nucleotide variant.
Coding change: c.2745C>A on transcript NM_001292063.2 (MANE Select); coding-DNA position 2745, C replaced by A.
Protein change: p.Cys915Ter; replaces cysteine 915 with a stop codon.
Molecular consequence: nonsense.
Genome position (GRCh38, 1-based): chr11:17,578,512, C>A. VCF-style: chr11-17578512-C-A. GRCh37 (hg19) VCF-style: chr11-17600059-C-A.
Other names: c.2781C>A, p.Cys927Ter (NM_001277269.2); short protein forms C915*, C927*.
Identifiers: ClinVar variation 4056698 (VCV004056698.1).